The following is an entry in ClinVar:

ClinVar aggregate classification (germline): Uncertain significance (1 of 4 stars; one submission).

Submission:

Labcorp Genetics (formerly Invitae), Labcorp
Classification: Uncertain significance. Last evaluated: 2022-08-23. Review status: criteria provided, single submitter. Criteria: Invitae Variant Classification Sherloc (09022015). Collection method: clinical testing. Allele origin: germline.
Comment: In summary, the available evidence is currently insufficient to determine the role of this variant in disease. Therefore, it has been classified as a Variant of Uncertain Significance. Algorithms developed to predict the effect of missense changes on protein structure and function output the following: SIFT: "Tolerated"; PolyPhen-2: "Benign"; Align-GVGD: "Class C0". The isoleucine amino acid residue is found in multiple mammalian species, which suggests that this missense change does not adversely affect protein function. ClinVar contains an entry for this variant (Variation ID: 1419513). This variant has not been reported in the literature in individuals affected with VPS13A-related conditions. This variant is not present in population databases (gnomAD no frequency). This sequence change replaces leucine, which is neutral and non-polar, with isoleucine, which is neutral and non-polar, at codon 698 of the VPS13A protein (p.Leu698Ile).

NM_033305.3(VPS13A):c.2092C>A (p.Leu698Ile)

Gene: VPS13A (vacuolar protein sorting 13 homolog A; plus strand). Cytogenetic location: 9q21.2.
Variant type: single nucleotide variant.
Coding change: c.2092C>A on transcript NM_033305.3 (MANE Select); coding-DNA position 2092, C replaced by A.
Protein change: p.Leu698Ile; replaces leucine 698 with isoleucine.
Molecular consequence: missense variant.
Genome position (GRCh38, 1-based): chr9:77,250,151, C>A. VCF-style: chr9-77250151-C-A. GRCh37 (hg19) VCF-style: chr9-79865067-C-A.
Other names: c.2092C>A, p.Leu698Ile (NM_001018037.2, NM_001018038.3, NM_015186.4); short protein forms L698I.
Identifiers: ClinVar variation 1419513 (VCV001419513.8), dbSNP rs2131267341, ClinGen allele CA373849647.